The following is an entry in ClinVar:

NM_003673.4(TCAP):c.325A>G (p.Thr109Ala)

Gene: TCAP (titin-cap; plus strand). Cytogenetic location: 17q12.
Variant type: single nucleotide variant.
Coding change: c.325A>G on transcript NM_003673.4 (MANE Select); coding-DNA position 325, A replaced by G.
Protein change: p.Thr109Ala; replaces threonine 109 with alanine.
Molecular consequence: missense variant.
Genome position (GRCh38, 1-based): chr17:39,665,930, A>G. VCF-style: chr17-39665930-A-G. GRCh37 (hg19) VCF-style: chr17-37822183-A-G.
Other names: short protein forms T109A.
Identifiers: ClinVar variation 2157665 (VCV002157665.2), dbSNP rs780752425, ClinGen allele CA8532899.
Genomic context (GRCh38, chr17:39,665,930, plus strand): 5'-CTGCCGCTGCCCATCTTCACCCCTGCCAAGATGGGCGCCACCAAGGAGGAGCGTGAGGAC[A>G]CCCCCATCCAGCTTCAGGAGCTGCTGGCGCTGGAGACAGCCCTGGGTGGCCAGTGTGTGG-3'
Protein context (NP_003664.1, residues 99-119): MGATKEERED[Thr109Ala]PIQLQELLAL

ClinVar aggregate classification (germline): Uncertain significance (1 of 4 stars; one submission).

Conditions:
Hypertrophic cardiomyopathy 25 (CMH25). Also called: CARDIOMYOPATHY, FAMILIAL HYPERTROPHIC, 25. Identifiers: MedGen C4225408, MONDO:0011843, OMIM 607487.
Primary familial hypertrophic cardiomyopathy (HCM). Identifiers: Orphanet 99739, MedGen C0949658, MeSH D024741, MONDO:0024573. Inheritance: Various modes of inheritance.

Allele frequency attached by ClinVar (database versions not stated): gnomAD exomes below 0.00001; ExAC 0.00001.
gnomAD v4.1: 3 of 1,612,718 alleles (0.00019%); highest among the groups gnomAD compares: Admixed American, 0.0033%; no homozygotes.

Submission:

Labcorp Genetics (formerly Invitae), Labcorp
Classification: Uncertain significance for Hypertrophic cardiomyopathy 25; Primary familial hypertrophic cardiomyopathy. Last evaluated: 2024-01-08. Review status: criteria provided, single submitter. Criteria: Invitae Variant Classification Sherloc (09022015). Collection method: clinical testing. Allele origin: germline.
Comment: This sequence change replaces threonine, which is neutral and polar, with alanine, which is neutral and non-polar, at codon 109 of the TCAP protein (p.Thr109Ala). This variant is present in population databases (rs780752425, gnomAD 0.006%). This variant has not been reported in the literature in individuals affected with TCAP-related conditions. ClinVar contains an entry for this variant (Variation ID: 2157665). An algorithm developed to predict the effect of missense changes on protein structure and function (PolyPhen-2) suggests that this variant¬†is likely to be tolerated. In summary, the available evidence is currently insufficient to determine the role of this variant in disease. Therefore, it has been classified as a Variant of Uncertain Significance.